The following is an entry in ClinVar:

ClinVar aggregate classification (germline): Likely pathogenic (1 of 4 stars; one submission).

Submission:

GeneDx
Classification: Likely pathogenic. Last evaluated: 2026-09-18. Review status: criteria provided, single submitter. Criteria: GeneDx Variant Classification Process June 2021. Collection method: clinical testing. Allele origin: germline.
Comment: Not observed at significant frequency in large population cohorts (gnomAD); In silico analysis supports that this missense variant has a deleterious effect on protein structure/function; Has not been previously published as pathogenic or benign to our knowledge

NM_013275.6(ANKRD11):c.502G>A (p.Gly168Arg)

Gene: ANKRD11 (ankyrin repeat domain 11; minus strand). Cytogenetic location: 16q24.3.
Variant type: single nucleotide variant.
Coding change: c.502G>A on transcript NM_013275.6 (MANE Select); coding-DNA position 502, G replaced by A.
Protein change: p.Gly168Arg; replaces glycine 168 with arginine.
Molecular consequence: missense variant. On other transcripts: non-coding transcript variant (1).
Genome position (GRCh38, 1-based): chr16:89,290,724, C>T on the plus strand (G>A on the coding strand, the complement: ANKRD11 is on the minus strand). VCF-style: chr16-89290724-C-T. GRCh37 (hg19) VCF-style: chr16-89357132-C-T.
Other names: c.502G>A, p.Gly168Arg (NM_001256182.2, NM_001256183.2); short protein forms G168R.
Identifiers: ClinVar variation 1307679 (VCV001307679.3), dbSNP rs2151796779, ClinGen allele CA397167310.